The following is an entry in ClinVar:

ClinVar aggregate classification (germline): Likely benign (1 of 4 stars; one submission).

Conditions:
Wilson disease (WND). Also called: Wilson's disease. Identifiers: Orphanet 905, MedGen C0019202, MONDO:0010200, OMIM 277900. Disease mechanism: loss of function.

Submission:

All of Us Research Program, National Institutes of Health
Classification: Likely benign for Wilson disease. Last evaluated: 2024-05-14. Review status: criteria provided, single submitter. Criteria: ACMG Guidelines, 2015. Collection method: clinical testing. Allele origin: germline. Inheritance: Autosomal recessive inheritance. Observed: 1 variant allele, 1 heterozygote.
Comment: This study involves interpretation of variants in research participants for the purpose of population health screening. Participant phenotype was not available at the time of variant classification. Additional details can be found in publication PMID: 35346344, PMCID: PMC8962531

NM_000053.4(ATP7B):c.603A>G (p.Val201=)

Gene: ATP7B (ATPase copper transporting beta; minus strand). Cytogenetic location: 13q14.3.
Variant type: single nucleotide variant.
Coding change: c.603A>G on transcript NM_000053.4 (MANE Select); coding-DNA position 603, A replaced by G.
Protein change: p.Val201=; no amino-acid change (valine 201 retained).
Molecular consequence: synonymous variant.
Genome position (GRCh38, 1-based): chr13:51,974,617, T>C on the plus strand (A>G on the coding strand, the complement: ATP7B is on the minus strand). VCF-style: chr13-51974617-T-C. GRCh37 (hg19) VCF-style: chr13-52548753-T-C.
Other names: c.603A>G, p.Val201= (NM_001005918.3, NM_001243182.2, NM_001330578.2 and 30 more transcripts); c.507A>G, p.Val169= (NM_001406517.1, NM_001406518.1, NM_001406530.1 and 4 more transcripts).
Identifiers: ClinVar variation 3385808 (VCV003385808.1).